The following is an entry in ClinVar:

NM_012154.5(AGO2):c.2384G>A (p.Arg795His)

Gene: AGO2 (argonaute RISC catalytic component 2; minus strand). Cytogenetic location: 8q24.3.
Variant type: single nucleotide variant.
Coding change: c.2384G>A on transcript NM_012154.5 (MANE Select); coding-DNA position 2384, G replaced by A.
Protein change: p.Arg795His; replaces arginine 795 with histidine.
Molecular consequence: missense variant.
Genome position (GRCh38, 1-based): chr8:140,532,503, C>T on the plus strand (G>A on the coding strand, the complement: AGO2 is on the minus strand). VCF-style: chr8-140532503-C-T. GRCh37 (hg19) VCF-style: chr8-141542602-C-T.
Other names: c.2282G>A, p.Arg761His (NM_001164623.3); short protein forms R761H, R795H.
Identifiers: ClinVar variation 3361926 (VCV003361926.1).
Genomic context (GRCh38, chr8:140,532,503, plus strand): 5'-TACCTGGCCCGGAAGGCCACCAGGTGAGCGTAGTATGCTGGCGCTGGGATGGACACGGAG[C>T]GTGTGCAGCGCACGTAGGTGTGACACAGCTGGTAGGTTAGGATCTGCAGCTCATCAGAGG-3'
Protein context (NP_036286.2, residues 785-805): QLCHTYVRCT[Arg795His]SVSIPAPAYY

ClinVar aggregate classification (germline): Uncertain significance (1 of 4 stars; one submission).

gnomAD v4.1: 3 of 1,614,264 alleles (0.00019%); highest among the groups gnomAD compares: Non-Finnish European, 0.00025%; no homozygotes.

Submission:

GeneDx
Classification: Uncertain significance. Last evaluated: 2023-07-31. Review status: criteria provided, single submitter. Criteria: GeneDx Variant Classification Process June 2021. Collection method: clinical testing. Allele origin: germline. Affected: yes.
Comment: Not observed at significant frequency in large population cohorts (gnomAD); In silico analysis supports that this missense variant has a deleterious effect on protein structure/function; Has not been previously published as pathogenic or benign to our knowledge